The following is an entry in ClinVar:

ClinVar aggregate classification (germline): Uncertain significance. Review status: criteria provided, multiple submitters, no conflicts (2 of 4 stars). 3 submissions from 3 submitters: Uncertain significance (3). Last evaluated 2025-06-29.

Conditions:
Hereditary cancer-predisposing syndrome. Also called: Hereditary neoplastic syndrome; Neoplastic Syndromes, Hereditary; Tumor predisposition; Hereditary Cancer Syndrome. Identifiers: Orphanet 140162, MedGen C0027672, MeSH D009386, MONDO:0015356.
DICER1-related tumor predisposition. Also called: DICER1-related pleuropulmonary blastoma cancer predisposition syndrome; DICER1 syndrome. Identifiers: Orphanet 284343, MedGen C3839822, MONDO:0100216.

Submissions (3):

Labcorp Genetics (formerly Invitae), Labcorp
Classification: Uncertain significance for DICER1-related tumor predisposition. Last evaluated: 2025-06-29. Review status: criteria provided, single submitter. Criteria: Invitae Variant Classification Sherloc (09022015). Collection method: clinical testing. Allele origin: germline.
Comment: This sequence change replaces serine, which is neutral and polar, with proline, which is neutral and non-polar, at codon 436 of the DICER1 protein (p.Ser436Pro). This variant is not present in population databases (gnomAD no frequency). This variant has not been reported in the literature in individuals affected with DICER1-related conditions. ClinVar contains an entry for this variant (Variation ID: 412058). Invitae Evidence Modeling of protein sequence and biophysical properties (such as structural, functional, and spatial information, amino acid conservation, physicochemical variation, residue mobility, and thermodynamic stability) indicates that this missense variant is not expected to disrupt DICER1 protein function with a negative predictive value of 95%. In summary, the available evidence is currently insufficient to determine the role of this variant in disease. Therefore, it has been classified as a Variant of Uncertain Significance.

GeneDx
Classification: Uncertain significance. Last evaluated: 2023-12-14. Review status: criteria provided, single submitter. Criteria: GeneDx Variant Classification Process June 2021. Collection method: clinical testing. Allele origin: germline. Affected: yes.
Comment: Not observed at significant frequency in large population cohorts (gnomAD); In silico analysis supports that this missense variant does not alter protein structure/function; Has not been previously published as pathogenic or benign to our knowledge

Ambry Genetics
Classification: Uncertain significance for Hereditary cancer-predisposing syndrome. Last evaluated: 2022-01-25. Review status: criteria provided, single submitter. Criteria: Ambry Variant Classification Scheme 2023. Collection method: clinical testing. Allele origin: germline.
Comment: The p.S436P variant (also known as c.1306T>C), located in coding exon 7 of the DICER1 gene, results from a T to C substitution at nucleotide position 1306. The serine at codon 436 is replaced by proline, an amino acid with similar properties. This amino acid position is highly conserved in available vertebrate species. In addition, the in silico prediction for this alteration is inconclusive. Since supporting evidence is limited at this time, the clinical significance of this alteration remains unclear.

NM_177438.3(DICER1):c.1306T>C (p.Ser436Pro)

Gene: DICER1 (dicer 1, ribonuclease III; minus strand). Cytogenetic location: 14q32.13.
Variant type: single nucleotide variant.
Coding change: c.1306T>C on transcript NM_177438.3 (MANE Select); coding-DNA position 1306, T replaced by C.
Protein change: p.Ser436Pro; replaces serine 436 with proline.
Molecular consequence: missense variant.
Genome position (GRCh38, 1-based): chr14:95,124,266, A>G on the plus strand (T>C on the coding strand, the complement: DICER1 is on the minus strand). VCF-style: chr14-95124266-A-G. GRCh37 (hg19) VCF-style: chr14-95590603-A-G.
Other names: c.1306T>C, p.Ser436Pro (NM_001195573.1, NM_001271282.3, NM_001291628.2 and 1 more transcripts); short protein forms S436P.
Identifiers: ClinVar variation 412058 (VCV000412058.11), dbSNP rs1060503595, ClinGen allele CA16614269.